The following is an entry in ClinVar:

ClinVar aggregate classification (germline): Uncertain significance (0 of 4 stars; one submission).

Conditions:
SEMA3C-related disorder. Also called: SEMA3C-related condition.

gnomAD v4.1: 5 of 1,613,594 alleles (0.00031%); highest among the groups gnomAD compares: East Asian, 0.011%; no homozygotes.

Submission:

PreventionGenetics, part of Exact Sciences
Classification: Uncertain significance for SEMA3C-related condition. Last evaluated: 2024-02-16. Review status: no assertion criteria provided. Collection method: clinical testing. Allele origin: germline.
Comment: The SEMA3C c.919G>C variant is predicted to result in the amino acid substitution p.Val307Leu. To our knowledge, this variant has not been reported in the literature. This variant is reported in 0.022% of alleles in individuals of East Asian descent in gnomAD. At this time, the clinical significance of this variant is uncertain due to the absence of conclusive functional and genetic evidence.

NM_006379.5(SEMA3C):c.865G>C (p.Val289Leu)

Gene: SEMA3C (semaphorin 3C; minus strand). Cytogenetic location: 7q21.11.
Variant type: single nucleotide variant.
Coding change: c.865G>C on transcript NM_006379.5 (MANE Select); coding-DNA position 865, G replaced by C.
Protein change: p.Val289Leu; replaces valine 289 with leucine.
Molecular consequence: missense variant.
Genome position (GRCh38, 1-based): chr7:80,802,716, C>G on the plus strand (G>C on the coding strand, the complement: SEMA3C is on the minus strand). VCF-style: chr7-80802716-C-G. GRCh37 (hg19) VCF-style: chr7-80432032-C-G.
Other names: c.919G>C, p.Val307Leu (NM_001350120.2); c.691G>C, p.Val231Leu (NM_001350121.2); short protein forms V231L, V289L, V307L.
Identifiers: ClinVar variation 3354582 (VCV003354582.1).